The following is an entry in ClinVar:

ClinVar aggregate classification (germline): Conflicting classifications of pathogenicity. Review status: criteria provided, conflicting classifications (1 of 4 stars). 2 submissions from 2 submitters: Uncertain significance (1); Likely benign (1). Last evaluated 2025-02-26.

Conditions:
Chromosome 2q32-q33 deletion syndrome (GLASS). Also called: Glass syndrome; 2q33.1 deletion syndrome. Identifiers: Orphanet 251019, MedGen C2676739, MONDO:0012864, OMIM 612313.

Allele frequency attached by ClinVar (database versions not stated): TOPMed below 0.00001.
gnomAD v4.1: 1 of 1,460,850 alleles (0.000068%); highest among the groups gnomAD compares: Non-Finnish European, 0.000095%; no homozygotes.

Submissions (2):

Greenwood Genetic Center Diagnostic Laboratories, Greenwood Genetic Center
Classification: Uncertain significance. Last evaluated: 2025-02-26. Review status: criteria provided, single submitter. Criteria: ACMG Guidelines, 2015. Collection method: clinical testing. Allele origin: germline.
Comment: PM2, BP4

Labcorp Genetics (formerly Invitae), Labcorp
Classification: Likely benign for Chromosome 2q32-q33 deletion syndrome. Last evaluated: 2023-02-21. Review status: criteria provided, single submitter. Criteria: Invitae Variant Classification Sherloc (09022015). Collection method: clinical testing. Allele origin: germline.

NM_001172509.2(SATB2):c.598-4T>C

Gene: SATB2 (SATB homeobox 2; minus strand). Cytogenetic location: 2q33.1.
Variant type: single nucleotide variant.
Coding change: c.598-4T>C on transcript NM_001172509.2 (MANE Select); 4 bases into the intron before coding-DNA position 598, T replaced by C.
Molecular consequence: intron variant.
Genome position (GRCh38, 1-based): chr2:199,368,711, A>G on the plus strand (T>C on the coding strand, the complement: SATB2 is on the minus strand). VCF-style: chr2-199368711-A-G. GRCh37 (hg19) VCF-style: chr2-200233434-A-G.
Other names: c.598-4T>C (NM_001172517.1, NM_015265.4).
Identifiers: ClinVar variation 2831648 (VCV002831648.4), dbSNP rs1689358503, ClinGen allele CA1320160406.